The following is an entry in ClinVar:

NM_052813.5(CARD9):c.1507C>T (p.Arg503Cys)

Gene: CARD9 (caspase recruitment domain family member 9; minus strand). Cytogenetic location: 9q34.3.
Variant type: single nucleotide variant.
Coding change: c.1507C>T on transcript NM_052813.5 (MANE Select); coding-DNA position 1507, C replaced by T.
Protein change: p.Arg503Cys; replaces arginine 503 with cysteine.
Molecular consequence: missense variant. On other transcripts: intron variant (1).
Genome position (GRCh38, 1-based): chr9:136,364,487, G>A on the plus strand (C>T on the coding strand, the complement: CARD9 is on the minus strand). VCF-style: chr9-136364487-G-A. GRCh37 (hg19) VCF-style: chr9-139258939-G-A.
Other names: c.1441+66C>T (NM_052814.4); short protein forms R503C.
Identifiers: ClinVar variation 1921481 (VCV001921481.6), dbSNP rs1489924914, ClinGen allele CA375540933.

ClinVar aggregate classification (germline): Uncertain significance. Review status: criteria provided, multiple submitters, no conflicts (2 of 4 stars). 2 submissions from 2 submitters: Uncertain significance (2). Last evaluated 2024-01-16.

Conditions:
Inborn genetic diseases. Identifiers: MedGen C0950123, MeSH D030342.
Predisposition to invasive fungal disease due to CARD9 deficiency (IMD103). Also called: CARD9 IMMUNODEFICIENCY; IMMUNODEFICIENCY 103, SUSCEPTIBILITY TO FUNGAL INFECTIONS; Candidiasis, familial, 2, autosomal recessive. Identifiers: Orphanet 457088, MedGen C1859353, MONDO:0008905, OMIM 212050.

gnomAD v4.1: 4 of 1,539,974 alleles (0.00026%); highest among the groups gnomAD compares: East Asian, 0.0073%; no homozygotes.

Submissions (2):

Ambry Genetics
Classification: Uncertain significance for Inborn genetic diseases. Last evaluated: 2024-01-16. Review status: criteria provided, single submitter. Criteria: Ambry Variant Classification Scheme 2023. Collection method: clinical testing. Allele origin: germline.

Labcorp Genetics (formerly Invitae), Labcorp
Classification: Uncertain significance for Predisposition to invasive fungal disease due to CARD9 deficiency. Last evaluated: 2023-10-13. Review status: criteria provided, single submitter. Criteria: Invitae Variant Classification Sherloc (09022015). Collection method: clinical testing. Allele origin: germline.
Comment: This sequence change replaces arginine, which is basic and polar, with cysteine, which is neutral and slightly polar, at codon 503 of the CARD9 protein (p.Arg503Cys). This variant is present in population databases (no rsID available, gnomAD 0.02%). This variant has not been reported in the literature in individuals affected with CARD9-related conditions. ClinVar contains an entry for this variant (Variation ID: 1921481). An algorithm developed to predict the effect of missense changes on protein structure and function (PolyPhen-2) suggests that this variant is likely to be disruptive. In summary, the available evidence is currently insufficient to determine the role of this variant in disease. Therefore, it has been classified as a Variant of Uncertain Significance.